The following is an entry in ClinVar:

ClinVar aggregate classification (germline): Pathogenic (1 of 4 stars; one submission).

Conditions:
Zellweger spectrum disorders (ZS). Also called: Zellweger Spectrum Disorder (ZSD); Zellweger Spectrum Disorder; Zellweger Spectrum; Zellweger syndrome. Identifiers: Orphanet 912, MedGen C0043459, MONDO:0019609.

Submission:

Labcorp Genetics (formerly Invitae), Labcorp
Classification: Pathogenic for Zellweger spectrum disorders. Last evaluated: 2021-11-13. Review status: criteria provided, single submitter. Criteria: Invitae Variant Classification Sherloc (09022015). Collection method: clinical testing. Allele origin: germline.
Comment: This sequence change creates a premature translational stop signal (p.Val652Glyfs*41) in the PEX1 gene. It is expected to result in an absent or disrupted protein product. Loss-of-function variants in PEX1 are known to be pathogenic (PMID: 9398847, 16086329, 16141001, 21031596, 26387595, 31831025). This variant is not present in population databases (gnomAD no frequency). This variant has not been reported in the literature in individuals affected with PEX1-related conditions. Algorithms developed to predict the effect of sequence changes on RNA splicing suggest that this variant may create or strengthen a splice site. For these reasons, this variant has been classified as Pathogenic.

Literature cited by the submitters: PubMed 9398847; PubMed 16086329; PubMed 16141001; PubMed 21031596; PubMed 26387595; PubMed 31831025.

NM_000466.3(PEX1):c.1955del (p.Val652fs)

Gene: PEX1 (peroxisomal biogenesis factor 1; minus strand). Cytogenetic location: 7q21.2.
Variant type: Deletion.
Coding change: c.1955del on transcript NM_000466.3 (MANE Select); coding-DNA position 1955, one base deleted (T; older notation c.1955delT).
Protein change: p.Val652fs; shifts the reading frame from valine 652.
Molecular consequence: frameshift variant. On other transcripts: intron variant (1).
Genome position (GRCh38, 1-based): chr7:92,504,848, A deleted on the plus strand (T on the coding strand, the reverse complement: PEX1 is on the minus strand). VCF-style (leftmost placement, unchanged base first): chr7-92504847-CA-C. GRCh37 (hg19) VCF-style: chr7-92134161-CA-C.
Other names: c.1331del, p.Val444fs (NM_001282678.2); c.1900+1400del (NM_001282677.2); short protein forms V652fs, V444fs.
Identifiers: ClinVar variation 1449026 (VCV001449026.6), dbSNP rs2116165935, ClinGen allele CA2573142463.